The following is an entry in ClinVar:

NM_144997.7(FLCN):c.1573G>C (p.Asp525His)

Gene: FLCN (folliculin; minus strand). Cytogenetic location: 17p11.2.
Variant type: single nucleotide variant.
Coding change: c.1573G>C on transcript NM_144997.7 (MANE Select); coding-DNA position 1573, G replaced by C.
Protein change: p.Asp525His; replaces aspartic acid 525 with histidine.
Molecular consequence: missense variant.
Genome position (GRCh38, 1-based): chr17:17,213,822, C>G on the plus strand (G>C on the coding strand, the complement: FLCN is on the minus strand). VCF-style: chr17-17213822-C-G. GRCh37 (hg19) VCF-style: chr17-17117136-C-G.
Other names: c.1627G>C, p.Asp543His (NM_001353229.2); c.1573G>C, p.Asp525His (NM_001353230.2, NM_001353231.2); short protein forms D525H, D543H.
Identifiers: ClinVar variation 3850591 (VCV003850591.2).
Genomic context (GRCh38, chr17:17,213,822, plus strand): 5'-CCTCCTCGGACGCACCCAGGATGCTCAGCAGCTTCTGTGTGTCCTCTTTGGGTCGACTGT[C>G]CACCTTGGTGAACTTAAAAAGCACCTTCACTTTGCTGAAGAAAACCAAAACAAAACACTC-3'
Protein context (NP_659434.2, residues 515-535): VKVLFKFTKV[Asp525His]SRPKEDTQKL

ClinVar aggregate classification (germline): Uncertain significance. Review status: criteria provided, multiple submitters, no conflicts (2 of 4 stars). 2 submissions from 2 submitters: Uncertain significance (2). Last evaluated 2025-03-04.

Conditions:
Hereditary cancer-predisposing syndrome. Also called: Hereditary neoplastic syndrome; Neoplastic Syndromes, Hereditary; Tumor predisposition; Hereditary Cancer Syndrome. Identifiers: Orphanet 140162, MedGen C0027672, MeSH D009386, MONDO:0015356.

gnomAD v4.1: 1 of 1,614,196 alleles (0.000062%); highest among the groups gnomAD compares: African/African-American, 0.0013%; no homozygotes.

Submissions (2):

Ambry Genetics
Classification: Uncertain significance for Hereditary cancer-predisposing syndrome. Last evaluated: 2025-03-04. Review status: criteria provided, single submitter. Criteria: Ambry Variant Classification Scheme 2023. Collection method: clinical testing. Allele origin: germline.
Comment: The p.D525H variant (also known as c.1573G>C), located in coding exon 11 of the FLCN gene, results from a G to C substitution at nucleotide position 1573. The aspartic acid at codon 525 is replaced by histidine, an amino acid with similar properties. This amino acid position is conserved. In addition, this alteration is predicted to be deleterious by in silico analysis. Based on the available evidence, the clinical significance of this variant remains unclear.

GeneDx
Classification: Uncertain significance. Last evaluated: 2024-12-06. Review status: criteria provided, single submitter. Criteria: GeneDx Variant Classification Process June 2021. Collection method: clinical testing. Allele origin: germline. Affected: yes.
Comment: Not observed at significant frequency in large population cohorts (gnomAD); In silico analysis indicates that this missense variant does not alter protein structure/function; Has not been previously published as pathogenic or benign to our knowledge; This variant is associated with the following publications: (PMID: 17028174)